The following is an entry in ClinVar:

NM_001034850.3(RETREG1):c.459-25755C>T

Gene: RETREG1 (reticulophagy regulator 1; minus strand). Cytogenetic location: 5p15.1.
Variant type: single nucleotide variant.
Coding change: c.459-25755C>T on transcript NM_001034850.3 (MANE Select); 25755 bases into the intron before coding-DNA position 459, C replaced by T.
Molecular consequence: intron variant.
Genome position (GRCh38, 1-based): chr5:16,509,227, G>A on the plus strand (C>T on the coding strand, the complement: RETREG1 is on the minus strand). VCF-style: chr5-16509227-G-A. GRCh37 (hg19) VCF-style: chr5-16509336-G-A.
Identifiers: ClinVar variation 668136 (VCV000668136.1), dbSNP rs33685, ClinGen allele CA12047308.
Genomic context (GRCh38, chr5:16,509,227, plus strand): 5'-AGCAAAACAGGCTGTACCTGTGAGGGTTGGGGGTTTTGTTTGGAGAACGCCTAGCCACTC[G>A]GCAAAAAGATCCCTTACTCAAAAAGGTTTAAAACAAAAGCCATTATGCAATGGGGTTTTG-3'

ClinVar aggregate classification (germline): Benign (1 of 4 stars; one submission).

Allele frequency attached by ClinVar (database versions not stated): 1000 Genomes Project 30x 0.39959; 1000 Genomes Project 0.39996; gnomAD 0.43870 and 0.43998; TOPMed 0.44656; gnomAD exomes 0.48413.
gnomAD v4.1: 70,288 of 159,066 alleles (44%); highest among the groups gnomAD compares: Middle Eastern, 56%; 16,435 homozygotes.

Submission:

GeneDx
Classification: Benign. Last evaluated: 2018-06-14. Review status: criteria provided, single submitter. Criteria: GeneDx Variant Classification (06012015). Collection method: clinical testing. Allele origin: germline. Affected: yes.
Comment: This variant is considered likely benign or benign based on one or more of the following criteria: it is a conservative change, it occurs at a poorly conserved position in the protein, it is predicted to be benign by multiple in silico algorithms, and/or has population frequency not consistent with disease.